The following is an entry in ClinVar:

ClinVar aggregate classification (germline): Likely benign (1 of 4 stars; one submission).

gnomAD v4.1: 1,168 of 1,614,118 alleles (0.072%); highest among the groups gnomAD compares: Non-Finnish European, 0.095%; no homozygotes.

Submission:

CeGaT Center for Human Genetics Tuebingen
Classification: Likely benign. Last evaluated: 2025-08-01. Review status: criteria provided, single submitter. Criteria: CeGaT Center For Human Genetics Tuebingen Variant Classification Criteria Version 2. Collection method: clinical testing. Allele origin: germline. Affected: yes. Observed: 1 variant allele.
Comment: ELOA2: BP4, BP7

NM_016427.3(ELOA2):c.2163G>A (p.Ala721=)

Genes: ELOA2 (elongin A2; minus strand), KATNAL2 (katanin catalytic subunit A1 like 2; plus strand). Cytogenetic location: 18q21.1.
Variant type: single nucleotide variant.
Coding change: c.2163G>A on transcript NM_016427.3 (MANE Select); coding-DNA position 2163, G replaced by A.
Protein change: p.Ala721=; no amino-acid change (alanine 721 retained).
Molecular consequence: synonymous variant. On other transcripts: intron variant (14).
Genome position (GRCh38, 1-based): chr18:47,033,102, C>T on the plus strand (G>A on the coding strand, the complement: ELOA2 is on the minus strand). VCF-style: chr18-47033102-C-T. GRCh37 (hg19) VCF-style: chr18-44559473-C-T.
Other names: c.130-13355C>T (NM_001353902.1, NM_001353899.1, NM_001353900.1); c.-1-25133C>T (NM_001353906.1, NM_001353908.1, NM_001353904.1 and 3 more transcripts); c.52-13355C>T (NM_001387690.1, NM_001367621.1, NM_001353901.1); c.-94-19778C>T (NM_031303.3); c.-294-13355C>T (NM_001353905.1).
Identifiers: ClinVar variation 4083851 (VCV004083851.8).